The following is an entry in ClinVar:

NM_000179.3(MSH6):c.224G>A (p.Gly75Glu)

Gene: MSH6 (mutS homolog 6; plus strand). Cytogenetic location: 2p16.3.
Variant type: single nucleotide variant.
Coding change: c.224G>A on transcript NM_000179.3 (MANE Select); coding-DNA position 224, G replaced by A.
Protein change: p.Gly75Glu; replaces glycine 75 with glutamic acid.
Molecular consequence: missense variant. On other transcripts: 5 prime UTR variant (1).
Genome position (GRCh38, 1-based): chr2:47,783,457, G>A. VCF-style: chr2-47783457-G-A. GRCh37 (hg19) VCF-style: chr2-48010596-G-A.
Other names: c.224G>A, p.Gly75Glu (NM_001281492.2); c.-513G>A (NM_001281493.2); short protein forms G75E.
Identifiers: ClinVar variation 820960 (VCV000820960.16), dbSNP rs1572698482, ClinGen allele CA346735090.

ClinVar aggregate classification (germline): Uncertain significance. Review status: criteria provided, multiple submitters, no conflicts (2 of 4 stars). 4 submissions from 4 submitters: Uncertain significance (4). Last evaluated 2025-07-31.

Conditions:
Hereditary nonpolyposis colorectal neoplasms. Identifiers: MedGen C0009405, MeSH D003123.
Hereditary cancer-predisposing syndrome. Also called: Neoplastic Syndromes, Hereditary; Tumor predisposition; Hereditary Cancer Syndrome; Hereditary neoplastic syndrome. Identifiers: Orphanet 140162, MedGen C0027672, MeSH D009386, MONDO:0015356.
Endometrial carcinoma. Also called: Endometrial carcinoma, somatic. Identifiers: MedGen C0476089, MONDO:0002447, OMIM 608089, HP:0012114.

gnomAD v4.1: 3 of 1,467,274 alleles (0.0002%); highest among the groups gnomAD compares: Non-Finnish European, 0.00027%; no homozygotes.

Submissions (4):

Labcorp Genetics (formerly Invitae), Labcorp
Classification: Uncertain significance for Hereditary nonpolyposis colorectal neoplasms. Last evaluated: 2025-07-31. Review status: criteria provided, single submitter. Criteria: Invitae Variant Classification Sherloc (09022015). Collection method: clinical testing. Allele origin: germline.
Comment: This sequence change replaces glycine, which is neutral and non-polar, with glutamic acid, which is acidic and polar, at codon 75 of the MSH6 protein (p.Gly75Glu). This variant is not present in population databases (gnomAD no frequency). This variant has not been reported in the literature in individuals affected with MSH6-related conditions. ClinVar contains an entry for this variant (Variation ID: 820960). Invitae Evidence Modeling of protein sequence and biophysical properties (such as structural, functional, and spatial information, amino acid conservation, physicochemical variation, residue mobility, and thermodynamic stability) indicates that this missense variant is not expected to disrupt MSH6 protein function with a negative predictive value of 95%. In summary, the available evidence is currently insufficient to determine the role of this variant in disease. Therefore, it has been classified as a Variant of Uncertain Significance.

Color Diagnostics, LLC DBA Color Health
Classification: Uncertain significance for Hereditary cancer-predisposing syndrome. Last evaluated: 2024-07-08. Review status: criteria provided, single submitter. Criteria: ACMG Guidelines, 2015. Collection method: clinical testing. Allele origin: germline.
Comment: This missense variant replaces glycine with glutamic acid at codon 75 of the MSH6 protein. Computational prediction suggests that this variant may not impact protein structure and function (internally defined REVEL score threshold <= 0.5, PMID: 27666373). To our knowledge, functional studies have not been reported for this variant. This variant has not been reported in individuals affected with MSH6-related disorders in the literature. This variant has not been identified in the general population by the Genome Aggregation Database (gnomAD). The available evidence is insufficient to determine the role of this variant in disease conclusively. Therefore, this variant is classified as a Variant of Uncertain Significance.

Ambry Genetics
Classification: Uncertain significance for Hereditary cancer-predisposing syndrome. Last evaluated: 2024-01-17. Review status: criteria provided, single submitter. Criteria: Ambry Variant Classification Scheme 2023. Collection method: clinical testing. Allele origin: germline.
Comment: The p.G75E variant (also known as c.224G>A), located in coding exon 1 of the MSH6 gene, results from a G to A substitution at nucleotide position 224. The glycine at codon 75 is replaced by glutamic acid, an amino acid with similar properties. This amino acid position is not well conserved in available vertebrate species. In addition, this alteration is predicted to be tolerated by in silico analysis. Since supporting evidence is limited at this time, the clinical significance of this alteration remains unclear.

Baylor Genetics
Classification: Uncertain significance for Endometrial carcinoma. Last evaluated: 2023-09-13. Review status: criteria provided, single submitter. Criteria: ACMG Guidelines, 2015. Collection method: clinical testing. Allele origin: unknown.